The following is an entry in ClinVar:

ClinVar aggregate classification (germline): Benign/Likely benign. Review status: criteria provided, multiple submitters, no conflicts (2 of 4 stars). 4 submissions from 4 submitters: Benign (2); Likely benign (2). Last evaluated 2026-05-12.

Allele frequency attached by ClinVar (database versions not stated): gnomAD exomes 0.00063; ExAC 0.00084; 1000 Genomes Project 30x 0.00219; 1000 Genomes Project 0.00220; gnomAD 0.00282 and 0.00311; ESP Exome Variant Server 0.00338; TOPMed 0.00343.
gnomAD v4.1: 840 of 1,613,824 alleles (0.052%); highest among the groups gnomAD compares: African/African-American, 0.94%; 6 homozygotes.

Submissions (4):

Women's Health and Genetics/Laboratory Corporation of America, LabCorp
Classification: Likely benign. Last evaluated: 2026-05-12. Review status: criteria provided, single submitter. Criteria: LabCorp Variant Classification Summary - May 2015. Collection method: clinical testing. Allele origin: germline.

Blueprint Genetics
Classification: Likely benign. Last evaluated: 2024-08-20. Review status: criteria provided, single submitter. Criteria: ACMG Guidelines, 2015. Collection method: clinical testing. Allele origin: germline.

CeGaT Center for Human Genetics Tuebingen
Classification: Benign. Last evaluated: 2022-09-01. Review status: criteria provided, single submitter. Criteria: CeGaT Center For Human Genetics Tuebingen Variant Classification Criteria Version 2. Collection method: clinical testing. Allele origin: germline. Affected: yes. Observed: 1 variant allele.
Comment: ANAPC1: BP4, BS1, BS2

Labcorp Genetics (formerly Invitae), Labcorp
Classification: Benign. Last evaluated: 2018-07-06. Review status: criteria provided, single submitter. Criteria: Invitae Variant Classification Sherloc (09022015). Collection method: clinical testing. Allele origin: germline.

NM_022662.4(ANAPC1):c.2742-7C>T

Gene: ANAPC1 (anaphase promoting complex subunit 1; minus strand). Cytogenetic location: 2q13.
Variant type: single nucleotide variant.
Coding change: c.2742-7C>T on transcript NM_022662.4 (MANE Select); 7 bases into the intron before coding-DNA position 2742, C replaced by T.
Molecular consequence: intron variant.
Genome position (GRCh38, 1-based): chr2:111,825,043, G>A on the plus strand (C>T on the coding strand, the complement: ANAPC1 is on the minus strand). VCF-style: chr2-111825043-G-A. GRCh37 (hg19) VCF-style: chr2-112582620-G-A.
Identifiers: ClinVar variation 789704 (VCV000789704.29), dbSNP rs182214701, ClinGen allele CA1830045.